The following is an entry in ClinVar:

NM_000128.4(F11):c.1335C>G (p.Tyr445Ter)

Gene: F11 (coagulation factor XI; plus strand). Cytogenetic location: 4q35.2.
Variant type: single nucleotide variant.
Coding change: c.1335C>G on transcript NM_000128.4 (MANE Select); coding-DNA position 1335, C replaced by G.
Protein change: p.Tyr445Ter; replaces tyrosine 445 with a stop codon.
Molecular consequence: nonsense.
Genome position (GRCh38, 1-based): chr4:186,285,668, C>G. VCF-style: chr4-186285668-C-G. GRCh37 (hg19) VCF-style: chr4-187206822-C-G.
Other names: short protein forms Y445*.
Identifiers: ClinVar variation 2585162 (VCV002585162.1), dbSNP rs2477404743, ClinGen allele CA358943018.

ClinVar aggregate classification (germline): Likely pathogenic (1 of 4 stars; one submission).

Conditions:
Hereditary factor XI deficiency disease. Also called: Congenital factor XI deficiency; PLASMA THROMBOPLASTIN ANTECEDENT DEFICIENCY; PTA DEFICIENCY; ROSENTHAL SYNDROME. Identifiers: Orphanet 329, MedGen C0015523, MeSH D005173, MONDO:0012897, OMIM 612416.

Submission:

Neuberg Centre For Genomic Medicine, NCGM
Classification: Likely pathogenic for Hereditary factor XI deficiency disease. Review status: criteria provided, single submitter. Criteria: ACMG Guidelines, 2015. Collection method: clinical testing. Allele origin: germline. Inheritance: Autosomal recessive inheritance. Affected: yes.
Comment: The stop gained c.1335C>G(p.Tyr445Ter) variant in F11 gene has not been reported previously as a pathogenic variant nor as a benign variant, to our knowledge. The variant is novel (not in any individuals) in gnomAD Exomes and is novel (not in any individuals) in 1000 Genomes. The nucleotide change c.1335C>G in F11 is predicted as conserved by PhyloP across 100 vertebrates. This variant is predicted to cause loss of normal protein function through protein truncation. Loss of function variants have been previously reported to be disease causing. For these reasons, this variant has been classified as Likely Pathogenic. In the absence of second reportable variant , the molecular diagnosis is not confirmed.